The following is an entry in ClinVar:

ClinVar aggregate classification (germline): Uncertain significance (1 of 4 stars; one submission).

Conditions:
Renal cysts and diabetes syndrome (RCAD). Also called: Familial hypoplastic, glomerulocystic kidney; MATURITY-ONSET DIABETES OF THE YOUNG, TYPE 5. Identifiers: Orphanet 93111, MedGen C0431693, MONDO:0007669, OMIM 137920.

Allele frequency attached by ClinVar (database versions not stated): gnomAD exomes below 0.00001; TOPMed below 0.00001; gnomAD 0.00001.

Submission:

Institute of Human Genetics, FAU Erlangen, Friedrich-Alexander-Universität Erlangen-Nürnberg
Classification: Uncertain significance for Renal cysts and diabetes syndrome. Last evaluated: 2019-07-06. Review status: criteria provided, single submitter. Criteria: ACMG Guidelines, 2015. Collection method: literature only. Allele origin: germline. Affected: yes.
Comment: This variant and it's classification has been reported by Vasileiou et al. 2019; DOI:10.1101/576918. The variants has previously been reported in PMID:28420700 as "c.130G>A,p.Glu44Lys" with clinical significance Likely pathogenic. It has been re-classified using InterVar and manual curation as Uncertain significance based on PM1 PP3 PP5.

Literature cited by the submitters: PubMed 28420700; DOI 10.1101/576918.

NM_000458.4(HNF1B):c.130G>A (p.Glu44Lys)

Gene: HNF1B (HNF1 homeobox B; minus strand). Cytogenetic location: 17q12.
Variant type: single nucleotide variant.
Coding change: c.130G>A on transcript NM_000458.4 (MANE Select); coding-DNA position 130, G replaced by A.
Protein change: p.Glu44Lys; replaces glutamic acid 44 with lysine.
Molecular consequence: missense variant.
Genome position (GRCh38, 1-based): chr17:37,744,755, C>T on the plus strand (G>A on the coding strand, the complement: HNF1B is on the minus strand). VCF-style: chr17-37744755-C-T. GRCh37 (hg19) VCF-style: chr17-36104746-C-T.
Other names: c.130G>A, p.Glu44Lys (NM_001165923.4, NM_001304286.2); short protein forms E44K.
Identifiers: ClinVar variation 635729 (VCV000635729.1), dbSNP rs1362125211, ClinGen allele CA398754352.